The following is an entry in ClinVar:

NM_002354.3(EPCAM):c.433A>T (p.Ile145Phe)

Gene: EPCAM (epithelial cell adhesion molecule; plus strand). Cytogenetic location: 2p21.
Variant type: single nucleotide variant.
Coding change: c.433A>T on transcript NM_002354.3 (MANE Select); coding-DNA position 433, A replaced by T.
Protein change: p.Ile145Phe; replaces isoleucine 145 with phenylalanine.
Molecular consequence: missense variant.
Genome position (GRCh38, 1-based): chr2:47,375,241, A>T. VCF-style: chr2-47375241-A-T. GRCh37 (hg19) VCF-style: chr2-47602380-A-T.
Other names: short protein forms I145F.
Identifiers: ClinVar variation 4640339 (VCV004640339.1).

ClinVar aggregate classification (germline): Uncertain significance (1 of 4 stars; one submission).

Conditions:
Hereditary cancer-predisposing syndrome. Also called: Neoplastic Syndromes, Hereditary; Tumor predisposition; Hereditary Cancer Syndrome; Hereditary neoplastic syndrome. Identifiers: Orphanet 140162, MedGen C0027672, MeSH D009386, MONDO:0015356.

Submission:

Ambry Genetics
Classification: Uncertain significance for Hereditary cancer-predisposing syndrome. Last evaluated: 2025-09-16. Review status: criteria provided, single submitter. Criteria: Ambry Variant Classification Scheme 2023. Collection method: clinical testing. Allele origin: germline.
Comment: The p.I145F variant (also known as c.433A>T), located in coding exon 4 of the EPCAM gene, results from an A to T substitution at nucleotide position 433. The isoleucine at codon 145 is replaced by phenylalanine, an amino acid with highly similar properties. This amino acid position is conserved. In addition, the in silico prediction for this alteration is inconclusive. Based on the available evidence, the clinical significance of this variant remains unclear.